The following is an entry in ClinVar:

NM_003070.5(SMARCA2):c.3140G>A (p.Arg1047Gln)

Gene: SMARCA2 (SWI/SNF related BAF chromatin remodeling complex subunit ATPase 2; plus strand). Cytogenetic location: 9p24.3.
Variant type: single nucleotide variant.
Coding change: c.3140G>A on transcript NM_003070.5 (MANE Select); coding-DNA position 3140, G replaced by A.
Protein change: p.Arg1047Gln; replaces arginine 1047 with glutamine.
Molecular consequence: missense variant.
Genome position (GRCh38, 1-based): chr9:2,104,017, G>A. VCF-style: chr9-2104017-G-A. GRCh37 (hg19) VCF-style: chr9-2104017-G-A.
Other names: c.3140G>A, p.Arg1047Gln (NM_001289396.2, NM_139045.4); c.2966G>A, p.Arg989Gln (NM_001289397.2); short protein forms R1047Q, R989Q.
Identifiers: ClinVar variation 1802075 (VCV001802075.1), dbSNP rs2537379506, ClinGen allele CA372787184.

ClinVar aggregate classification (germline): Uncertain significance (1 of 4 stars; one submission).

Submission:

GeneDx
Classification: Uncertain significance. Last evaluated: 2022-05-31. Review status: criteria provided, single submitter. Criteria: GeneDx Variant Classification Process June 2021. Collection method: clinical testing. Allele origin: germline. Affected: yes.
Comment: Not observed at significant frequency in large population cohorts (gnomAD); In silico analysis supports that this missense variant has a deleterious effect on protein structure/function; Has not been previously published as pathogenic or benign to our knowledge